The following is an entry in ClinVar:

NC_000012.11:g.(?_70003785)_(70004618_?)dup

Gene: LRRC10 (leucine rich repeat containing 10; minus strand). Cytogenetic location: 12q15.
Variant type: Duplication.
Identifiers: ClinVar variation 3244350 (VCV003244350.1).

ClinVar aggregate classification (germline): Uncertain significance (1 of 4 stars; one submission).

Conditions:
Dilated Cardiomyopathy, Dominant.

Submission:

Labcorp Genetics (formerly Invitae), Labcorp
Classification: Uncertain significance. Last evaluated: 2022-10-27. Review status: criteria provided, single submitter. Criteria: Invitae Variant Classification Sherloc (09022015). Collection method: clinical testing. Allele origin: unknown.
Comment: In summary, the available evidence is currently insufficient to determine the role of this variant in disease. Therefore, it has been classified as a Variant of Uncertain Significance. This variant has not been reported in the literature in individuals affected with LRRC10-related conditions. A copy number gain of the genomic region encompassing the full coding sequence of the LRRC10 gene has been identified. The boundaries of this event are unknown as they extend beyond the assayed region for this gene and therefore may encompass additional genes. As the precise location of this event is unknown, it may be in tandem or it may be located elsewhere in the genome.